The following is an entry in ClinVar:

ClinVar aggregate classification (germline): Uncertain significance (1 of 4 stars; one submission).

Conditions:
Hypercholesterolemia, autosomal dominant, 3 (FHCL3). Also called: PCSK9-Related Familial Hypercholesterolemia, Autosomal Dominant; Familial Hypercholesterolemia, Autosomal Dominant, 3; Familial hypercholesterolemia 3. Identifiers: MedGen C1863551, MONDO:0011369, OMIM 603776.

gnomAD v4.1: 13 of 1,614,150 alleles (0.00081%); highest among the groups gnomAD compares: Non-Finnish European, 0.0011%; no homozygotes.

Submission:

All of Us Research Program, National Institutes of Health
Classification: Uncertain significance for Hypercholesterolemia, autosomal dominant, 3. Last evaluated: 2023-06-28. Review status: criteria provided, single submitter. Criteria: ACMG Guidelines, 2015. Collection method: clinical testing. Allele origin: germline. Inheritance: Autosomal dominant inheritance. Observed: 2 variant alleles, 2 heterozygotes.
Comment: This missense variant replaces arginine with leucine at codon 357 of the PCSK9 protein. Computational prediction is inconclusive regarding the impact of this variant on protein structure and function (internally defined REVEL score threshold 0.5 < inconclusive < 0.7, PMID: 27666373). To our knowledge, functional studies have not been reported for this variant. This variant has not been reported in individuals affected with PCSK9-related disorders in the literature. This variant has been identified in 3/251364 chromosomes in the general population by the Genome Aggregation Database (gnomAD). The available evidence is insufficient to determine the role of this variant in disease conclusively. Therefore, this variant is classified as a Variant of Uncertain Significance.

This study involves interpretation of variants in research participants for the purpose of population health screening. Participant phenotype was not available at the time of variant classification. Additional details can be found in publication PMID: 35346344, PMCID: PMC8962531

NM_174936.4(PCSK9):c.1070G>T (p.Arg357Leu)

Gene: PCSK9 (proprotein convertase subtilisin/kexin type 9; plus strand). Cytogenetic location: 1p32.3.
Variant type: single nucleotide variant.
Coding change: c.1070G>T on transcript NM_174936.4 (MANE Select); coding-DNA position 1070, G replaced by T.
Protein change: p.Arg357Leu; replaces arginine 357 with leucine.
Molecular consequence: missense variant. On other transcripts: non-coding transcript variant (7).
Genome position (GRCh38, 1-based): chr1:55,057,404, G>T. VCF-style: chr1-55057404-G-T. GRCh37 (hg19) VCF-style: chr1-55523077-G-T.
Other names: c.1193G>T, p.Arg398Leu (NM_001407240.1); c.1070G>T, p.Arg357Leu (NM_001407241.1, NM_001407244.1, NM_001407247.1); c.1073G>T, p.Arg358Leu (NM_001407242.1); c.1013G>T, p.Arg338Leu (NM_001407243.1); c.878G>T, p.Arg293Leu (NM_001407245.1); c.695G>T, p.Arg232Leu (NM_001407246.1); short protein forms R232L, R293L, R338L, R357L, R358L, R398L.
Identifiers: ClinVar variation 3069717 (VCV003069717.1), dbSNP rs370507566, ClinGen allele CA034924.